The following is an entry in ClinVar:

NM_001165963.4(SCN1A):c.4581+12C>T

Genes: SCN1A (sodium voltage-gated channel alpha subunit 1; minus strand), LOC102724058 (uncharacterized LOC102724058; plus strand). Cytogenetic location: 2q24.3.
Variant type: single nucleotide variant.
Coding change: c.4581+12C>T on transcript NM_001165963.4 (MANE Select); 12 bases into the intron after coding-DNA position 4581, C replaced by T.
Molecular consequence: intron variant.
Genome position (GRCh38, 1-based): chr2:165,996,001, G>A on the plus strand (C>T on the coding strand, the complement: SCN1A is on the minus strand). VCF-style: chr2-165996001-G-A. GRCh37 (hg19) VCF-style: chr2-166852511-G-A.
Other names: c.4548+12C>T (NM_001353949.2, NM_001353950.2, NM_001353951.2 and 2 more transcripts); c.4497+12C>T (NM_001353958.2, NM_001353957.2, NM_001165964.3); c.4581+12C>T (NM_001202435.3, NM_001353948.2); c.4545+12C>T (NM_001353955.2, NM_001353954.2); c.4494+12C>T (NM_001353960.2); c.2139+12C>T (NM_001353961.2).
Identifiers: ClinVar variation 331882 (VCV000331882.14), dbSNP rs886055042, ClinGen allele CA10612488.
Genomic context (GRCh38, chr2:165,996,001, plus strand): 5'-TTCTTTTTTGTGAGACAAGCATGCAAGTTTTTGTTTTTGTATTTTTCCCCCATATCATTT[G>A]ATACTTCTTACTCCTGGTCGAGGTATAGGCTTTTGCGGTTTTTTCGATCCTAATTTTTTC-3'

ClinVar aggregate classification (germline): Conflicting classifications of pathogenicity. Review status: criteria provided, conflicting classifications (1 of 4 stars). 4 submissions from 3 submitters: Uncertain significance (2); Likely benign (2). Last evaluated 2023-07-17.

Conditions:
Early-infantile DEE. Also called: Early infantile epileptic encephalopathy; Early infantile epileptic encephalopathy with suppression bursts; Ohtahara syndrome. Identifiers: Orphanet 1934, MedGen C0393706, MONDO:0800491.
Generalized epilepsy with febrile seizures plus, type 2 (GEFSP2). Also called: GEFS+, TYPE 2. Identifiers: Orphanet 36387, MedGen C1858673, MONDO:0011461, OMIM 604403.
Migraine, familial hemiplegic, 3. Identifiers: Orphanet 569, MedGen C1864987, MONDO:0012320, OMIM 609634.

Allele frequency attached by ClinVar (database versions not stated): gnomAD exomes below 0.00001 and 0.00001; gnomAD 0.00001.
gnomAD v4.1: 5 of 1,541,608 alleles (0.00032%); highest among the groups gnomAD compares: Admixed American, 0.0017%; no homozygotes.

Submissions (4):

Labcorp Genetics (formerly Invitae), Labcorp
Classification: Likely benign for Early-infantile DEE. Last evaluated: 2023-07-17. Review status: criteria provided, single submitter. Criteria: Invitae Variant Classification Sherloc (09022015). Collection method: clinical testing. Allele origin: germline.

Illumina Laboratory Services, Illumina
Classification: Uncertain significance for Migraine, familial hemiplegic, 3. Last evaluated: 2018-01-13. Review status: criteria provided, single submitter. Criteria: ICSL Variant Classification Criteria 13 December 2019. Collection method: clinical testing. Allele origin: germline.

Illumina Laboratory Services, Illumina
Classification: Uncertain significance for Generalized epilepsy with febrile seizures plus, type 2. Last evaluated: 2018-01-13. Review status: criteria provided, single submitter. Criteria: ICSL Variant Classification Criteria 13 December 2019. Collection method: clinical testing. Allele origin: germline.

GeneDx
Classification: Likely benign. Last evaluated: 2016-05-12. Review status: criteria provided, single submitter. Criteria: GeneDx Variant Classification (06012015). Collection method: clinical testing. Allele origin: germline. Affected: yes.
Comment: This variant is considered likely benign or benign based on one or more of the following criteria: it is a conservative change, it occurs at a poorly conserved position in the protein, it is predicted to be benign by multiple in silico algorithms, and/or has population frequency not consistent with disease.